The following is an entry in ClinVar:

ClinVar aggregate classification (germline): Conflicting classifications of pathogenicity. Review status: criteria provided, conflicting classifications (1 of 4 stars). 4 submissions from 4 submitters: Uncertain significance (3); Likely benign (1). Last evaluated 2024-10-05.

Conditions:
Hereditary cancer-predisposing syndrome. Also called: Hereditary neoplastic syndrome; Neoplastic Syndromes, Hereditary; Tumor predisposition; Hereditary Cancer Syndrome. Identifiers: Orphanet 140162, MedGen C0027672, MeSH D009386, MONDO:0015356.
Multiple endocrine neoplasia, type 1 (MEN1). Also called: MEN I; WERMER SYNDROME; Endocrine adenomatosis multiple; MEN 1; MEA I. Identifiers: Orphanet 652, MedGen C0025267, MeSH D018761, MONDO:0007540, OMIM 131100.

Allele frequency attached by ClinVar (database versions not stated): TOPMed below 0.00001; gnomAD 0.00001.

Submissions (4):

Labcorp Genetics (formerly Invitae), Labcorp
Classification: Likely benign for Multiple endocrine neoplasia, type 1. Last evaluated: 2024-10-05. Review status: criteria provided, single submitter. Criteria: Invitae Variant Classification Sherloc (09022015). Collection method: clinical testing. Allele origin: germline.

Ambry Genetics
Classification: Uncertain significance for Hereditary cancer-predisposing syndrome. Last evaluated: 2024-05-22. Review status: criteria provided, single submitter. Criteria: Ambry Variant Classification Scheme 2023. Collection method: clinical testing. Allele origin: germline.
Comment: The p.G520R variant (also known as c.1558G>A), located in coding exon 9 of the MEN1 gene, results from a G to A substitution at nucleotide position 1558. The glycine at codon 520 is replaced by arginine, an amino acid with dissimilar properties. This amino acid position is conserved. In addition, this alteration is predicted to be tolerated by in silico analysis. Since supporting evidence is limited at this time, the clinical significance of this alteration remains unclear.

All of Us Research Program, National Institutes of Health
Classification: Uncertain significance for Multiple endocrine neoplasia, type 1. Last evaluated: 2023-11-30. Review status: criteria provided, single submitter. Criteria: ACMG Guidelines, 2015. Collection method: clinical testing. Allele origin: germline. Inheritance: Autosomal dominant inheritance. Observed: 2 variant alleles, 2 heterozygotes.
Comment: This missense variant replaces glycine with arginine at codon 520 of the MEN1 protein. Computational prediction suggests that this variant may not impact protein structure and function (internally defined REVEL score threshold <= 0.5, PMID: 27666373). To our knowledge, functional studies have not been reported for this variant. This variant has not been reported in individuals affected with MEN1-related disorders in the literature. This variant has been identified in 1/31346 chromosomes in the general population by the Genome Aggregation Database (gnomAD). The available evidence is insufficient to determine the role of this variant in disease conclusively. Therefore, this variant is classified as a Variant of Uncertain Significance.

This study involves interpretation of variants in research participants for the purpose of population health screening. Participant phenotype was not available at the time of variant classification. Additional details can be found in publication PMID: 35346344, PMCID: PMC8962531

GeneDx
Classification: Uncertain significance. Last evaluated: 2023-11-29. Review status: criteria provided, single submitter. Criteria: GeneDx Variant Classification Process June 2021. Collection method: clinical testing. Allele origin: germline. Affected: yes.
Comment: Not observed at significant frequency in large population cohorts (gnomAD); In silico analysis supports that this missense variant does not alter protein structure/function; Has not been previously published as pathogenic or benign to our knowledge

NM_001370259.2(MEN1):c.1558G>A (p.Gly520Arg)

Gene: MEN1 (menin 1; minus strand). Cytogenetic location: 11q13.1.
Variant type: single nucleotide variant.
Coding change: c.1558G>A on transcript NM_001370259.2 (MANE Select); coding-DNA position 1558, G replaced by A.
Protein change: p.Gly520Arg; replaces glycine 520 with arginine.
Molecular consequence: missense variant.
Genome position (GRCh38, 1-based): chr11:64,804,609, C>T on the plus strand (G>A on the coding strand, the complement: MEN1 is on the minus strand). VCF-style: chr11-64804609-C-T. GRCh37 (hg19) VCF-style: chr11-64572081-C-T.
Other names: c.1573G>A, p.Gly525Arg (NM_000244.4, NM_130800.3, NM_130801.3 and 3 more transcripts); c.1684G>A, p.Gly562Arg (NM_001370251.2); c.1558G>A, p.Gly520Arg (NM_001370260.2, NM_001370261.2, NM_130799.3); c.1453G>A, p.Gly485Arg (NM_001370262.2, NM_001370263.2); short protein forms G485R, G520R, G562R, G525R.
Identifiers: ClinVar variation 1045619 (VCV001045619.12), dbSNP rs1427043628, ClinGen allele CA381178496.